The following is an entry in ClinVar:

NM_000275.3(OCA2):c.1275G>A (p.Met425Ile)

Gene: OCA2 (OCA2 melanosomal transmembrane protein; minus strand). Cytogenetic location: 15q13.1.
Variant type: single nucleotide variant.
Coding change: c.1275G>A on transcript NM_000275.3 (MANE Select); coding-DNA position 1275, G replaced by A.
Protein change: p.Met425Ile; replaces methionine 425 with isoleucine.
Molecular consequence: missense variant.
Genome position (GRCh38, 1-based): chr15:27,985,153, C>T on the plus strand (G>A on the coding strand, the complement: OCA2 is on the minus strand). VCF-style: chr15-27985153-C-T. GRCh37 (hg19) VCF-style: chr15-28230299-C-T.
Other names: c.1203G>A, p.Met401Ile (NM_001300984.2); short protein forms M401I, M425I.
Identifiers: ClinVar variation 3251585 (VCV003251585.1), dbSNP rs374919133.

ClinVar aggregate classification (germline): Uncertain significance (1 of 4 stars; one submission).

Allele frequency attached by ClinVar (database versions not stated): ExAC 0.00001; TOPMed 0.00002; gnomAD 0.00003; ESP Exome Variant Server 0.00015.
gnomAD v4.1: 4 of 1,613,774 alleles (0.00025%); highest among the groups gnomAD compares: African/African-American, 0.0053%; no homozygotes.

Submission:

Women's Health and Genetics/Laboratory Corporation of America, LabCorp
Classification: Uncertain significance. Last evaluated: 2024-04-02. Review status: criteria provided, single submitter. Criteria: LabCorp Variant Classification Summary - May 2015. Collection method: clinical testing. Allele origin: germline.
Comment: Variant summary: OCA2 c.1275G>A (p.Met425Ile) results in a conservative amino acid change located in the Citrate transporter-like domain (IPR004680) of the encoded protein sequence. Four of five in-silico tools predict a damaging effect of the variant on protein function. The variant allele was found at a frequency of 8.1e-06 in 248212 control chromosomes (gnomAD). The available data on variant occurrences in the general population are insufficient to allow any conclusion about variant significance. To our knowledge, no occurrence of c.1275G>A in individuals affected with Oculocutaneous Albinism and no experimental evidence demonstrating its impact on protein function have been reported. No submitters have cited clinical-significance assessments for this variant to ClinVar. Based on the evidence outlined above, the variant was classified as uncertain significance.